The following is an entry in ClinVar:

NM_017433.5(MYO3A):c.113T>C (p.Val38Ala)

Gene: MYO3A (myosin IIIA; plus strand). Cytogenetic location: 10p12.1.
Variant type: single nucleotide variant.
Coding change: c.113T>C on transcript NM_017433.5 (MANE Select); coding-DNA position 113, T replaced by C.
Protein change: p.Val38Ala; replaces valine 38 with alanine.
Molecular consequence: missense variant.
Genome position (GRCh38, 1-based): chr10:25,952,223, T>C. VCF-style: chr10-25952223-T-C. GRCh37 (hg19) VCF-style: chr10-26241152-T-C.
Other names: c.113T>C, p.Val38Ala (NM_001368265.1); short protein forms V38A.
Identifiers: ClinVar variation 1199644 (VCV001199644.13), dbSNP rs144518447, ClinGen allele CA5444198.

ClinVar aggregate classification (germline): Uncertain significance. Review status: criteria provided, multiple submitters, no conflicts (2 of 4 stars). 5 submissions from 5 submitters: Uncertain significance (5). Last evaluated 2026-07-06.

Conditions:
Autosomal recessive nonsyndromic hearing loss 30. Identifiers: Orphanet 90636, MedGen C1846784, MONDO:0011774, OMIM 607101.
MYO3A-related disorder. Also called: MYO3A-related condition.
Inborn genetic diseases. Identifiers: MedGen C0950123, MeSH D030342.

Allele frequency attached by ClinVar (database versions not stated): gnomAD exomes 0.00004 and 0.00010; ExAC 0.00012; 1000 Genomes Project 30x 0.00016; 1000 Genomes Project 0.00020; ESP Exome Variant Server 0.00031; gnomAD 0.00038 and 0.00041; TOPMed 0.00044.
gnomAD v4.1: 120 of 1,612,906 alleles (0.0074%); highest among the groups gnomAD compares: African/African-American, 0.11%; no homozygotes.

Submissions (5):

PreventionGenetics, part of Exact Sciences
Classification: Uncertain significance for MYO3A-related condition. Last evaluated: 2026-07-06. Review status: criteria provided, single submitter. Criteria: ACMG Guidelines, 2015. Collection method: clinical testing. Allele origin: germline.
Comment: The MYO3A c.113T>C variant is predicted to result in the amino acid substitution p.Val38Ala. To our knowledge, this variant has not been reported in the literature. This variant is reported in 0.12% of alleles in individuals of African descent in gnomAD. Although we suspect that this variant may be benign, at this time, the clinical significance of this variant is uncertain due to the absence of conclusive functional and genetic evidence.

Ambry Genetics
Classification: Uncertain significance for Inborn genetic diseases. Last evaluated: 2025-12-04. Review status: criteria provided, single submitter. Criteria: Ambry Variant Classification Scheme 2023. Collection method: clinical testing. Allele origin: germline.

Labcorp Genetics (formerly Invitae), Labcorp
Classification: Uncertain significance. Last evaluated: 2025-10-13. Review status: criteria provided, single submitter. Criteria: Invitae Variant Classification Sherloc (09022015). Collection method: clinical testing. Allele origin: germline.
Comment: This sequence change replaces valine, which is neutral and non-polar, with alanine, which is neutral and non-polar, at codon 38 of the MYO3A protein (p.Val38Ala). This variant is present in population databases (rs144518447, gnomAD 0.1%). This variant has not been reported in the literature in individuals affected with MYO3A-related conditions. ClinVar contains an entry for this variant (Variation ID: 1199644). An algorithm developed to predict the effect of missense changes on protein structure and function outputs the following: PolyPhen-2: "Benign". The alanine amino acid residue is found in multiple mammalian species, which suggests that this missense change does not adversely affect protein function. In summary, the available evidence is currently insufficient to determine the role of this variant in disease. Therefore, it has been classified as a Variant of Uncertain Significance.

Fulgent Genetics
Classification: Uncertain significance for Autosomal recessive nonsyndromic hearing loss 30. Last evaluated: 2021-07-11. Review status: criteria provided, single submitter. Criteria: ACMG Guidelines, 2015. Collection method: clinical testing. Allele origin: unknown.

GeneDx
Classification: Uncertain significance. Last evaluated: 2020-12-10. Review status: criteria provided, single submitter. Criteria: GeneDx Variant Classification Process June 2021. Collection method: clinical testing. Allele origin: germline. Affected: yes.
Comment: In silico analysis, which includes protein predictors and evolutionary conservation, supports that this variant does not alter protein structure/function; Has not been previously published as pathogenic or benign to our knowledge